The following is an entry in ClinVar:

NM_052989.3(IFT122):c.1141C>T (p.Gln381Ter)

Gene: IFT122 (intraflagellar transport 122; plus strand). Cytogenetic location: 3q21.3.
Variant type: single nucleotide variant.
Coding change: c.1141C>T on transcript NM_052989.3 (MANE Select); coding-DNA position 1141, C replaced by T.
Protein change: p.Gln381Ter; replaces glutamine 381 with a stop codon.
Molecular consequence: nonsense.
Genome position (GRCh38, 1-based): chr3:129,476,795, C>T. VCF-style: chr3-129476795-C-T. GRCh37 (hg19) VCF-style: chr3-129195638-C-T.
Other names: c.964C>T, p.Gln322Ter (NM_001410813.1, NM_018262.4, NM_001410810.1 and 1 more transcripts); c.808C>T, p.Gln270Ter (NM_001410815.1, NM_001410817.1, NM_052990.3); c.1294C>T, p.Gln432Ter (NM_052985.4); c.1117C>T, p.Gln373Ter (NM_001280541.2); c.691C>T, p.Gln231Ter (NM_001280545.2); c.514C>T, p.Gln172Ter (NM_001280546.2); c.1141C>T, p.Gln381Ter (NM_001410808.1, NM_001410809.1); short protein forms Q172*, Q231*, Q373*, Q381*, Q322*, Q432*, Q270*.
Identifiers: ClinVar variation 2913590 (VCV002913590.3), dbSNP rs2077995074, ClinGen allele CA354473266.

ClinVar aggregate classification (germline): Pathogenic (1 of 4 stars; one submission).

Conditions:
Cranioectodermal dysplasia 1 (CED1). Also called: LEVIN SYNDROME I. Identifiers: Orphanet 1515, MedGen C0432235, MONDO:0021093, OMIM 218330.

Allele frequency attached by ClinVar (database versions not stated): gnomAD exomes below 0.00001; gnomAD 0.00001.
gnomAD v4.1: 3 of 1,613,996 alleles (0.00019%); highest among the groups gnomAD compares: South Asian, 0.0022%; no homozygotes.

Submission:

Labcorp Genetics (formerly Invitae), Labcorp
Classification: Pathogenic for Cranioectodermal dysplasia 1. Last evaluated: 2023-06-03. Review status: criteria provided, single submitter. Criteria: Invitae Variant Classification Sherloc (09022015). Collection method: clinical testing. Allele origin: germline.
Comment: This sequence change creates a premature translational stop signal (p.Gln432*) in the IFT122 gene. It is expected to result in an absent or disrupted protein product. Loss-of-function variants in IFT122 are known to be pathogenic (PMID: 20493458, 23826986, 26792575). This variant is not present in population databases (gnomAD no frequency). This variant has not been reported in the literature in individuals affected with IFT122-related conditions. For these reasons, this variant has been classified as Pathogenic.

Literature cited by the submitters: PubMed 20493458; PubMed 23826986; PubMed 26792575.